The following is an entry in ClinVar:

NM_001142800.2(EYS):c.6605_6613del (p.His2202_Phe2204del)

Gene: EYS (EGF-like photoreceptor maintenance factor; minus strand). Cytogenetic location: 6q12.
Variant type: Deletion.
Coding change: c.6605_6613del on transcript NM_001142800.2 (MANE Select); coding-DNA positions 6605 to 6613, 9 bases deleted (ATTTATTTC; older notation c.6605_6613delATTTATTTC).
Protein change: p.His2202_Phe2204del.
Molecular consequence: inframe deletion.
Genome position (GRCh38, 1-based): chr6:64,066,450-64,066,458, GAAATAAAT deleted on the plus strand (ATTTATTTC on the coding strand, the reverse complement: EYS is on the minus strand); deleting any 9 consecutive bases within chr6:64,066,450-64,066,461 gives the same sequence; the c. name uses the placement nearest the transcript's 3' end. VCF-style (leftmost placement, unchanged base first): chr6-64066449-AGAAATAAAT-A. GRCh37 (hg19) VCF-style: chr6-64776342-AGAAATAAAT-A.
Other names: c.6605_6613del, p.His2202_Phe2204del (NM_001292009.2).
Identifiers: ClinVar variation 847546 (VCV000847546.9), dbSNP rs1771374961, ClinGen allele CA916082848.

ClinVar aggregate classification (germline): Uncertain significance (1 of 4 stars; one submission).

Submission:

Labcorp Genetics (formerly Invitae), Labcorp
Classification: Uncertain significance. Last evaluated: 2021-01-28. Review status: criteria provided, single submitter. Criteria: Invitae Variant Classification Sherloc (09022015). Collection method: clinical testing. Allele origin: germline.
Comment: Experimental studies and prediction algorithms are not available or were not evaluated, and the functional significance of this variant is currently unknown. This variant has not been reported in the literature in individuals with EYS-related conditions. This variant is not present in population databases (ExAC no frequency). This variant, c.6605_6613del, results in the deletion of 3 amino acid(s) of the EYS protein (p.His2202_Phe2204del), but otherwise preserves the integrity of the reading frame. In summary, the available evidence is currently insufficient to determine the role of this variant in disease. Therefore, it has been classified as a Variant of Uncertain Significance.